The following is an entry in ClinVar:

ClinVar aggregate classification (germline): Conflicting classifications of pathogenicity. Review status: criteria provided, conflicting classifications (1 of 4 stars). 8 submissions from 8 submitters: Uncertain significance (6); Likely benign (1). 1 of the submissions does not count toward it. Last evaluated 2026-01-20.

Conditions:
Inborn genetic diseases. Identifiers: MedGen C0950123, MeSH D030342.
Nemaline myopathy 2 (NEM2). Also called: Nemaline myopathy 2, autosomal recessive. Identifiers: MedGen C1850569, MONDO:0009725, OMIM 256030.
Arthrogryposis multiplex congenita 6. Identifiers: MedGen C5543431, MONDO:0030281, OMIM 619334.

Allele frequency attached by ClinVar (database versions not stated): gnomAD exomes 0.00006 and 0.00008; ExAC 0.00008; gnomAD 0.00009 and 0.00010; TOPMed 0.00009; ESP Exome Variant Server 0.00016.
gnomAD v4.1: 133 of 1,589,310 alleles (0.0084%); highest among the groups gnomAD compares: Non-Finnish European, 0.01%; no homozygotes.

Submissions (8):

Labcorp Genetics (formerly Invitae), Labcorp
Classification: Likely benign for Nemaline myopathy 2. Last evaluated: 2026-01-20. Review status: criteria provided, single submitter. Criteria: Invitae Variant Classification Sherloc (09022015). Collection method: clinical testing. Allele origin: germline.

Ambry Genetics
Classification: Uncertain significance for Inborn genetic diseases. Last evaluated: 2024-06-16. Review status: criteria provided, single submitter. Criteria: Ambry Variant Classification Scheme 2023. Collection method: clinical testing. Allele origin: germline.

Blueprint Genetics
Classification: Uncertain significance. Last evaluated: 2023-08-28. Review status: criteria provided, single submitter. Criteria: ACMG Guidelines, 2015. Collection method: clinical testing. Allele origin: germline.

Revvity Omics, Revvity
Classification: Uncertain significance. Last evaluated: 2023-07-19. Review status: criteria provided, single submitter. Criteria: ACMG Guidelines, 2015. Collection method: clinical testing. Allele origin: germline.

GeneDx
Classification: Uncertain significance. Last evaluated: 2022-04-11. Review status: criteria provided, single submitter. Criteria: GeneDx Variant Classification Process June 2021. Collection method: clinical testing. Allele origin: germline. Affected: yes.
Comment: Not observed at significant frequency in large population cohorts (gnomAD); In silico analysis supports that this missense variant has a deleterious effect on protein structure/function; Has not been previously published as pathogenic or benign to our knowledge

Fulgent Genetics
Classification: Uncertain significance for Nemaline myopathy 2; Arthrogryposis multiplex congenita 6. Last evaluated: 2021-10-07. Review status: criteria provided, single submitter. Criteria: ACMG Guidelines, 2015. Collection method: clinical testing. Allele origin: unknown.

Baylor Genetics
Classification: Uncertain significance for Nemaline myopathy 2. Last evaluated: 2018-04-05. Review status: criteria provided, single submitter. Criteria: ACMG Guidelines, 2015. Collection method: clinical testing. Allele origin: unknown. Affected: yes.
Comment: This variant was determined to be of uncertain significance according to ACMG Guidelines, 2015 [PMID:25741868].

Natera, Inc.
Classification: Uncertain significance for Nemaline myopathy type 2. Last evaluated: 2020-03-11. Review status: no assertion criteria provided. Collection method: clinical testing. Allele origin: germline. Not counted in ClinVar's aggregate classification.

NM_001164508.2(NEB):c.18859C>T (p.Arg6287Cys)

Gene: NEB (nebulin; minus strand). Cytogenetic location: 2q23.3.
Variant type: single nucleotide variant.
Coding change: c.18859C>T on transcript NM_001164508.2 (MANE Select); coding-DNA position 18859, C replaced by T.
Protein change: p.Arg6287Cys; replaces arginine 6287 with cysteine.
Molecular consequence: missense variant.
Genome position (GRCh38, 1-based): chr2:151,562,643, G>A on the plus strand (C>T on the coding strand, the complement: NEB is on the minus strand). VCF-style: chr2-151562643-G-A. GRCh37 (hg19) VCF-style: chr2-152419157-G-A.
Other names: c.18859C>T, p.Arg6287Cys (NM_001164507.2, NM_001271208.2); c.13756C>T, p.Arg4586Cys (NM_004543.5); c.13756C>T (NM_004543.4); short protein forms R4586C, R6287C.
Identifiers: ClinVar variation 646996 (VCV000646996.15), dbSNP rs374606967, ClinGen allele CA1907835.